The following is an entry in ClinVar:

NM_018897.3(DNAH7):c.7479T>C (p.Val2493=)

Gene: DNAH7 (dynein axonemal heavy chain 7; minus strand). Cytogenetic location: 2q32.3.
Variant type: single nucleotide variant.
Coding change: c.7479T>C on transcript NM_018897.3 (MANE Select); coding-DNA position 7479, T replaced by C.
Protein change: p.Val2493=; no amino-acid change (valine 2493 retained).
Molecular consequence: synonymous variant.
Genome position (GRCh38, 1-based): chr2:195,864,176, A>G on the plus strand (T>C on the coding strand, the complement: DNAH7 is on the minus strand). VCF-style: chr2-195864176-A-G. GRCh37 (hg19) VCF-style: chr2-196728900-A-G.
Identifiers: ClinVar variation 3352149 (VCV003352149.1).

ClinVar aggregate classification (germline): Likely benign (0 of 4 stars; one submission).

Conditions:
DNAH7-related disorder. Also called: DNAH7-related condition.

Submission:

PreventionGenetics, part of Exact Sciences
Classification: Likely benign for DNAH7-related condition. Last evaluated: 2024-03-11. Review status: no assertion criteria provided. Collection method: clinical testing. Allele origin: germline.
Comment: This variant is classified as likely benign based on ACMG/AMP sequence variant interpretation guidelines (Richards et al. 2015 PMID: 25741868, with internal and published modifications).